The following is an entry in ClinVar:

ClinVar aggregate classification (germline): Conflicting classifications of pathogenicity. Review status: criteria provided, conflicting classifications (1 of 4 stars). 4 submissions from 4 submitters: Uncertain significance (1); Likely benign (3). Last evaluated 2025-12-01.

Conditions:
Developmental and epileptic encephalopathy, 42 (DEE42A). Also called: DEVELOPMENTAL AND EPILEPTIC ENCEPHALOPATHY 42A; EPILEPTIC ENCEPHALOPATHY, EARLY INFANTILE, 42A; Epileptic encephalopathy, early infantile, 42. Identifiers: MedGen C4310716, MONDO:0014917, OMIM 617106.
Episodic ataxia type 2 (EA2). Also called: ACETAZOLAMIDE-RESPONSIVE HEREDITARY PAROXYSMAL CEREBELLAR ATAXIA; EPISODIC ATAXIA, NYSTAGMUS-ASSOCIATED; ATAXIA, EPISODIC, WITH NYSTAGMUS; ATAXIA, FAMILIAL PAROXYSMAL; CEREBELLAR ATAXIA, PAROXYSMAL, ACETAZOLAMIDE-RESPONSIVE; CEREBELLOPATHY, HEREDITARY PAROXYSMAL. Identifiers: Orphanet 97, MedGen C1720416, MONDO:0007163, OMIM 108500.

Allele frequency attached by ClinVar (database versions not stated): gnomAD 0.00001; TOPMed 0.00001.
gnomAD v4.1: 33 of 1,612,720 alleles (0.002%); highest among the groups gnomAD compares: South Asian, 0.025%; no homozygotes.

Submissions (4):

Women's Health and Genetics/Laboratory Corporation of America, LabCorp
Classification: Likely benign. Last evaluated: 2025-12-01. Review status: criteria provided, single submitter. Criteria: LabCorp Variant Classification Summary - May 2015. Collection method: clinical testing. Allele origin: germline.

Blueprint Genetics
Classification: Likely benign. Last evaluated: 2024-05-10. Review status: criteria provided, single submitter. Criteria: ACMG Guidelines, 2015. Collection method: clinical testing. Allele origin: germline.

Labcorp Genetics (formerly Invitae), Labcorp
Classification: Likely benign for Developmental and epileptic encephalopathy, 42; Episodic ataxia type 2. Last evaluated: 2023-12-22. Review status: criteria provided, single submitter. Criteria: Invitae Variant Classification Sherloc (09022015). Collection method: clinical testing. Allele origin: germline.

GeneDx
Classification: Uncertain significance. Last evaluated: 2020-04-10. Review status: criteria provided, single submitter. Criteria: GeneDx Variant Classification Process June 2021. Collection method: clinical testing. Allele origin: germline. Affected: yes.
Comment: Has not been previously published as pathogenic or benign to our knowledge; In-silico analysis, which includes splice predictors and evolutionary conservation, is inconclusive as to whether the variant alters gene splicing. In the absence of RNA/functional studies, the actual effect of this sequence change is unknown.

NM_001127222.2(CACNA1A):c.345C>G (p.Leu115=)

Gene: CACNA1A (calcium voltage-gated channel subunit alpha1 A; minus strand). Cytogenetic location: 19p13.13.
Variant type: single nucleotide variant.
Coding change: c.345C>G on transcript NM_001127222.2 (MANE Select); coding-DNA position 345, C replaced by G.
Protein change: p.Leu115=; no amino-acid change (leucine 115 retained).
Molecular consequence: synonymous variant.
Genome position (GRCh38, 1-based): chr19:13,455,161, G>C on the plus strand (C>G on the coding strand, the complement: CACNA1A is on the minus strand). VCF-style: chr19-13455161-G-C. GRCh37 (hg19) VCF-style: chr19-13565975-G-C.
Other names: c.345C>G, p.Leu115= (NM_000068.4, NM_001127221.2, NM_001174080.2 and 1 more transcripts).
Identifiers: ClinVar variation 476253 (VCV000476253.12), dbSNP rs747917423, ClinGen allele CA9241058.